The following is an entry in ClinVar:

ClinVar aggregate classification (germline): Benign. Review status: criteria provided, multiple submitters, no conflicts (2 of 4 stars). 3 submissions from 2 submitters: Benign (3). Last evaluated 2018-01-12.

Conditions:
Adult-onset proximal spinal muscular atrophy, autosomal dominant. Also called: FINKEL LATE-ADULT TYPE SMA; Spinal muscular atrophy, late-onset, finkel type. Identifiers: Orphanet 209335, MedGen C1854058, MONDO:0008453, OMIM 182980.
Amyotrophic lateral sclerosis type 8 (ALS8). Identifiers: Orphanet 803, MedGen C1837728, MONDO:0012077, OMIM 608627.

Allele frequency attached by ClinVar (database versions not stated): ExAC 0.04862; gnomAD 0.08036 and 0.08252; gnomAD exomes 0.08554 and 0.10195; TOPMed 0.08799; 1000 Genomes Project 30x 0.10696; 1000 Genomes Project 0.11082.
gnomAD v4.1: 38,420 of 453,970 alleles (8.5%); highest among the groups gnomAD compares: East Asian, 26%; 2,277 homozygotes.

Submissions (3):

Illumina Laboratory Services, Illumina
Classification: Benign for Adult-onset proximal spinal muscular atrophy, autosomal dominant. Last evaluated: 2018-01-12. Review status: criteria provided, single submitter. Criteria: ICSL Variant Classification Criteria 13 December 2019. Collection method: clinical testing. Allele origin: germline.
Comment: This variant was observed in the ICSL laboratory as part of a predisposition screen in an ostensibly healthy population. It had not been previously curated by ICSL or reported in the Human Gene Mutation Database (HGMD: prior to June 1st, 2018), and was therefore a candidate for classification through an automated scoring system. Utilizing variant allele frequency, disease prevalence and penetrance estimates, and inheritance mode, an automated score was calculated to assess if this variant is too frequent to cause the disease. Based on the score and internal cut-off values, a variant classified as benign is not then subjected to further curation. The score for this variant resulted in a classification of benign for this disease.

Illumina Laboratory Services, Illumina
Classification: Benign for Amyotrophic lateral sclerosis type 8. Last evaluated: 2018-01-12. Review status: criteria provided, single submitter. Criteria: ICSL Variant Classification Criteria 13 December 2019. Collection method: clinical testing. Allele origin: germline.
Comment: the same text as in the submission from Illumina Laboratory Services, Illumina above.

Breakthrough Genomics
Classification: Benign. Review status: criteria provided, single submitter. Criteria: ACMG Guidelines, 2015. Collection method: not provided. Allele origin: germline. Inheritance: Autosomal dominant inheritance. Affected: yes.

NM_004738.5(VAPB):c.*2819A>G

Gene: VAPB (VAMP associated protein B and C; plus strand). Cytogenetic location: 20q13.32.
Variant type: single nucleotide variant.
Coding change: c.*2819A>G on transcript NM_004738.5 (MANE Select); 2819 bases downstream of the stop codon, A replaced by G.
Molecular consequence: 3 prime UTR variant. On other transcripts: non-coding transcript variant (1).
Genome position (GRCh38, 1-based): chr20:58,447,054, A>G. VCF-style: chr20-58447054-A-G. GRCh37 (hg19) VCF-style: chr20-57022110-A-G.
Other names: c.*2889A>G (NM_001195677.2).
Identifiers: ClinVar variation 338964 (VCV000338964.7), dbSNP rs74568509, ClinGen allele CA9924510.